The following is an entry in ClinVar:

NM_007254.4(PNKP):c.1291_1292insCGGCC (p.Arg431fs)

Gene: PNKP (polynucleotide kinase 3'-phosphatase; minus strand). Cytogenetic location: 19q13.33.
Variant type: Insertion.
Coding change: c.1291_1292insCGGCC on transcript NM_007254.4 (MANE Select); coding-DNA positions 1291 to 1292, CGGCC inserted.
Protein change: p.Arg431fs; shifts the reading frame from arginine 431.
Molecular consequence: frameshift variant.
Genome position: GRCh38 VCF-style: chr19-49861778-C-CGGCCG. GRCh37 (hg19) VCF-style: chr19-50365035-C-CGGCCG.
Other names: short protein forms R431fs.
Identifiers: ClinVar variation 5006024 (VCV005006024.2).
Genomic context (GRCh38, chr19:49,861,778, plus strand): 5'-TGCAGGCCCCGCCCACCCCGCCGCAGGCCACCTACGGCCCCGCGGTCACGCTACCTGGCG[C>CGGCCG]GGCTCGCGGCGTCTGGGTTTGTGTTGTCGATGGCGACCCGTTTCCCTTGCTTCAGGGCTG-3'

ClinVar aggregate classification (germline): Likely pathogenic (1 of 4 stars; one submission).

Conditions:
Ataxia - oculomotor apraxia type 4. Identifiers: Orphanet 459033, MedGen C4225397, MONDO:0014557, OMIM 616267.
Microcephaly, seizures, and developmental delay. Identifiers: Orphanet 1934, MedGen C3150667, MONDO:0013254, OMIM 613402.
Charcot-Marie-Tooth disease type 2B2 (CMT2B2). Also called: CHARCOT-MARIE-TOOTH DISEASE, NEURONAL, TYPE 2B2; CHARCOT-MARIE-TOOTH DISEASE, AXONAL, TYPE 2B2; Charcot-Marie-Tooth Neuropathy Type 2B2; CHARCOT-MARIE-TOOTH DISEASE, AXONAL, AUTOSOMAL RECESSIVE, TYPE 2B2. Identifiers: Orphanet 101101, MedGen C1854150, MONDO:0011570, OMIM 605589.

Submission:

Juno Genomics, Hangzhou Juno Genomics, Inc
Classification: Likely pathogenic for Charcot-Marie-Tooth disease type 2B2; Ataxia - oculomotor apraxia type 4; Microcephaly, seizures, and developmental delay. Review status: criteria provided, single submitter. Criteria: ACMG Guidelines, 2015. Collection method: clinical testing. Allele origin: germline.
Comment: Null variant in a gene where loss of function (LOF) is a known mechanism of disease.;Absent from controls (or at extremely low frequency if recessive) in Genome Aggregation Database.